The following is an entry in ClinVar:

ClinVar aggregate classification (germline): Likely pathogenic (1 of 4 stars; one submission).

Conditions:
Hermansky-Pudlak syndrome (HPS). Also called: ALBINISM WITH HEMORRHAGIC DIATHESIS AND PIGMENTED RETICULOENDOTHELIAL CELLS. Identifiers: Orphanet 79430, MedGen C0079504, MONDO:0019312.

Submission:

Women's Health and Genetics/Laboratory Corporation of America, LabCorp
Classification: Likely pathogenic for Hermansky-Pudlak syndrome. Last evaluated: 2023-03-15. Review status: criteria provided, single submitter. Criteria: LabCorp Variant Classification Summary - May 2015. Collection method: clinical testing. Allele origin: germline.
Comment: Variant summary: HPS3 c.2788_2792delGAGAA (p.Glu930ProfsX11) results in a premature termination codon, predicted to cause a truncation of the encoded protein or absence of the protein due to nonsense mediated decay, which are commonly known mechanisms for disease. The variant is predicted to disrupt the last 75 amino acids of the protein, which includes the BLOC-2 complex member HPS3, C-terminal domain (IPR029438). At least one truncating variant in the vicinity (p.Leu939ThrfsX4) has been reported in the literature in an individual with a platelet disorder (PMID: 31064749). The variant was absent in 249992 control chromosomes. To our knowledge, no occurrence of c.2788_2792delGAGAA in individuals affected with Hermansky-Pudlak Syndrome and no experimental evidence demonstrating its impact on protein function have been reported. No clinical diagnostic laboratories have submitted clinical-significance assessments for this variant to ClinVar after 2014. Based on the evidence outlined above, the variant was classified as likely pathogenic.

NM_032383.5(HPS3):c.2788_2792del (p.Glu930fs)

Genes: CP (ceruloplasmin; minus strand), HPS3 (HPS3 biogenesis of lysosomal organelles complex 2 subunit 1; plus strand). Cytogenetic location: 3q24.
Variant type: Deletion.
Coding change: c.2788_2792del on transcript NM_032383.5 (MANE Select); coding-DNA positions 2788 to 2792, 5 bases deleted (GAGAA; older notation c.2788_2792delGAGAA).
Protein change: p.Glu930fs; shifts the reading frame from glutamic acid 930.
Molecular consequence: frameshift variant.
Genome position (GRCh38, 1-based): chr3:149,167,232-149,167,236, GAGAA deleted; deleting any 5 consecutive bases within chr3:149,167,228-149,167,236 gives the same sequence; the c. name uses the placement nearest the transcript's 3' end. VCF-style (leftmost placement, unchanged base first): chr3-149167227-AAGAAG-A. GRCh37 (hg19) VCF-style: chr3-148885014-AAGAAG-A.
Other names: c.2293_2297del, p.Glu765fs (NM_001308258.2); short protein forms E765fs, E930fs.
Identifiers: ClinVar variation 2501269 (VCV002501269.1), dbSNP rs2472689274, ClinGen allele CA2580615990.
Genomic context (GRCh38, chr3:149,167,227, plus strand): 5'-TAGACATACTGTTAGAGAGATGCCCGGAGGCAGTCATTCCATATGCTAATCATGAACTGA[AAGAAG>A]AGAACCGGGTATGCTTTTTCAGATTATGTTTTTAGGCTTGATCAGTGATAATCAGATCTG-3'